The following is an entry in ClinVar:

NM_018714.3(COG1):c.1744G>A (p.Val582Met)

Gene: COG1 (component of oligomeric golgi complex 1; plus strand). Cytogenetic location: 17q25.1.
Variant type: single nucleotide variant.
Coding change: c.1744G>A on transcript NM_018714.3 (MANE Select); coding-DNA position 1744, G replaced by A.
Protein change: p.Val582Met; replaces valine 582 with methionine.
Molecular consequence: missense variant.
Genome position (GRCh38, 1-based): chr17:73,201,571, G>A. VCF-style: chr17-73201571-G-A. GRCh37 (hg19) VCF-style: chr17-71197710-G-A.
Other names: c.1744G>A (NM_018714.2); short protein forms V582M.
Identifiers: ClinVar variation 1443329 (VCV001443329.7), dbSNP rs778769386, ClinGen allele CA8740282.

ClinVar aggregate classification (germline): Uncertain significance. Review status: criteria provided, multiple submitters, no conflicts (2 of 4 stars). 2 submissions from 2 submitters: Uncertain significance (2). Last evaluated 2021-06-10.

Conditions:
Inborn genetic diseases. Identifiers: MedGen C0950123, MeSH D030342.
COG1 congenital disorder of glycosylation (CDG2G). Also called: CONGENITAL DISORDER OF GLYCOSYLATION, TYPE IIg; CDG IIg; CDGII/COG1 CEREBROCOSTOMANDIBULAR-LIKE SYNDROME. Identifiers: Orphanet 263508, MedGen C2931011, MONDO:0012637, OMIM 611209.

Allele frequency attached by ClinVar (database versions not stated): TOPMed 0.00003; ExAC 0.00007; gnomAD exomes 0.00007.
gnomAD v4.1: 48 of 1,614,218 alleles (0.003%); highest among the groups gnomAD compares: Admixed American, 0.025%; 1 homozygote.

Submissions (2):

Labcorp Genetics (formerly Invitae), Labcorp
Classification: Uncertain significance for COG1 congenital disorder of glycosylation. Last evaluated: 2021-06-10. Review status: criteria provided, single submitter. Criteria: Invitae Variant Classification Sherloc (09022015). Collection method: clinical testing. Allele origin: germline.
Comment: In summary, the available evidence is currently insufficient to determine the role of this variant in disease. Therefore, it has been classified as a Variant of Uncertain Significance. Algorithms developed to predict the effect of missense changes on protein structure and function output the following: SIFT: "Tolerated"; PolyPhen-2: "Benign"; Align-GVGD: "Class C0". The methionine amino acid residue is found in multiple mammalian species, suggesting that this missense change does not adversely affect protein function. These predictions have not been confirmed by published functional studies and their clinical significance is uncertain. This variant has not been reported in the literature in individuals with COG1-related conditions. This variant is present in population databases (rs778769386, ExAC 0.04%). This sequence change replaces valine with methionine at codon 582 of the COG1 protein (p.Val582Met). The valine residue is weakly conserved and there is a small physicochemical difference between valine and methionine.

Ambry Genetics
Classification: Uncertain significance for Inborn genetic diseases. Last evaluated: 2021-03-31. Review status: criteria provided, single submitter. Criteria: Ambry Variant Classification Scheme 2023. Collection method: clinical testing. Allele origin: germline.